The following is an entry in ClinVar:

ClinVar aggregate classification (germline): Uncertain significance (1 of 4 stars; one submission).

Conditions:
Autosomal recessive limb-girdle muscular dystrophy type 2L (LGMDR12). Also called: Limb-girdle muscular dystrophy, type 2L; MUSCULAR DYSTROPHY, LIMB-GIRDLE, AUTOSOMAL RECESSIVE 12; Limb-Girdle Muscular Dystrophy R12 Anoctamin-5-Related (LGMD-R12). Identifiers: Orphanet 206549, MedGen C1969785, MONDO:0012652, OMIM 611307.
Gnathodiaphyseal dysplasia (GDD). Also called: GNATHODIAPHYSEAL SCLEROSIS; OSTEOGENESIS IMPERFECTA WITH UNUSUAL SKELETAL LESIONS. Identifiers: Orphanet 53697, MedGen C1833736, MONDO:0008151, OMIM 166260.

Allele frequency attached by ClinVar (database versions not stated): gnomAD 0.00001.

Submission:

Labcorp Genetics (formerly Invitae), Labcorp
Classification: Uncertain significance for Autosomal recessive limb-girdle muscular dystrophy type 2L; Gnathodiaphyseal dysplasia. Last evaluated: 2021-07-08. Review status: criteria provided, single submitter. Criteria: Invitae Variant Classification Sherloc (09022015). Collection method: clinical testing. Allele origin: germline.
Comment: In summary, the available evidence is currently insufficient to determine the role of this variant in disease. Therefore, it has been classified as a Variant of Uncertain Significance. This sequence change falls in intron 2 of the ANO5 gene. It does not directly change the encoded amino acid sequence of the ANO5 protein. It affects a nucleotide within the consensus splice site of the intron. This variant is not present in population databases (ExAC no frequency). This variant has not been reported in the literature in individuals affected with ANO5-related conditions. Nucleotide substitutions within the consensus splice site are a relatively common cause of aberrant splicing (PMID: 17576681, 9536098). Algorithms developed to predict the effect of sequence changes on RNA splicing suggest that this variant is not likely to affect RNA splicing.

Literature cited by the submitters: PubMed 17576681; PubMed 9536098.

NM_213599.3(ANO5):c.87+3A>G

Gene: ANO5 (anoctamin 5; plus strand). Cytogenetic location: 11p14.3.
Variant type: single nucleotide variant.
Coding change: c.87+3A>G on transcript NM_213599.3 (MANE Select); 3 bases into the intron after coding-DNA position 87, A replaced by G.
Molecular consequence: intron variant.
Genome position (GRCh38, 1-based): chr11:22,203,853, A>G. VCF-style: chr11-22203853-A-G. GRCh37 (hg19) VCF-style: chr11-22225399-A-G.
Other names: c.87+3A>G (NM_001142649.2).
Identifiers: ClinVar variation 1366327 (VCV001366327.6), dbSNP rs1387282754, ClinGen allele CA597909065.